The following is an entry in ClinVar:

ClinVar aggregate classification (germline): Uncertain significance (1 of 4 stars; one submission).

Allele frequency attached by ClinVar (database versions not stated): TOPMed below 0.00001.

Submission:

GeneDx
Classification: Uncertain significance. Last evaluated: 2022-09-22. Review status: criteria provided, single submitter. Criteria: GeneDx Variant Classification Process June 2021. Collection method: clinical testing. Allele origin: germline. Affected: yes.
Comment: Not observed at significant frequency in large population cohorts (gnomAD); In silico analysis supports that this missense variant has a deleterious effect on protein structure/function; In silico analysis suggests this variant may impact gene splicing. In the absence of RNA/functional studies, the actual effect of this sequence change is unknown.; Has not been previously published as pathogenic or benign to our knowledge

NM_003482.4(KMT2D):c.3992C>T (p.Ser1331Leu)

Genes: KMT2D (lysine methyltransferase 2D; minus strand), LOC126861520 (CDK7 strongly-dependent group 2 enhancer GRCh37_chr12:49442744-49443943; plus strand). Cytogenetic location: 12q13.12.
Variant type: single nucleotide variant.
Coding change: c.3992C>T on transcript NM_003482.4 (MANE Select); coding-DNA position 3992, C replaced by T.
Protein change: p.Ser1331Leu; replaces serine 1331 with leucine.
Molecular consequence: missense variant.
Genome position (GRCh38, 1-based): chr12:49,049,133, G>A on the plus strand (C>T on the coding strand, the complement: KMT2D is on the minus strand). VCF-style: chr12-49049133-G-A. GRCh37 (hg19) VCF-style: chr12-49442916-G-A.
Other names: short protein forms S1331L.
Identifiers: ClinVar variation 2446231 (VCV002446231.1), dbSNP rs993856705, ClinGen allele CA236615745.
Genomic context (GRCh38, chr12:49,049,133, plus strand): 5'-GGGGATGGGAGGAATAGGAGGCATCTCCTTACTACCAGAGTCTCAATGGAAGAAGCAGTT[G>A]ACTTTAGCCGGGCCCGTCCTCTACCACGTCCTCCATGGGCTCCTCCACGAGGCCGGCGTC-3'
Protein context (NP_003473.3, residues 1321-1341): GRGRGRARLK[Ser1331Leu]TASSIETLVV